The following is an entry in ClinVar:

ClinVar aggregate classification (germline): Pathogenic (1 of 4 stars; one submission).

Conditions:
Nephronophthisis. Also called: Juvenile Nephronophthisis. Identifiers: Orphanet 655, MedGen C0687120, MONDO:0019005, HP:0000090.

Submission:

Labcorp Genetics (formerly Invitae), Labcorp
Classification: Pathogenic for Nephronophthisis. Last evaluated: 2023-04-25. Review status: criteria provided, single submitter. Criteria: Invitae Variant Classification Sherloc (09022015). Collection method: clinical testing. Allele origin: germline.
Comment: This sequence change creates a premature translational stop signal (p.Gln452*) in the INVS gene. It is expected to result in an absent or disrupted protein product. Loss-of-function variants in INVS are known to be pathogenic (PMID: 12872123). This variant is not present in population databases (gnomAD no frequency). This variant has not been reported in the literature in individuals affected with INVS-related conditions. For these reasons, this variant has been classified as Pathogenic.

Literature cited by the submitters: PubMed 12872123.

NM_014425.5(INVS):c.1354C>T (p.Gln452Ter)

Gene: INVS (inversin; plus strand). Cytogenetic location: 9q31.1.
Variant type: single nucleotide variant.
Coding change: c.1354C>T on transcript NM_014425.5 (MANE Select); coding-DNA position 1354, C replaced by T.
Protein change: p.Gln452Ter; replaces glutamine 452 with a stop codon.
Molecular consequence: nonsense. On other transcripts: non-coding transcript variant (1).
Genome position (GRCh38, 1-based): chr9:100,253,026, C>T. VCF-style: chr9-100253026-C-T. GRCh37 (hg19) VCF-style: chr9-103015308-C-T.
Other names: c.1066C>T, p.Gln356Ter (NM_001318381.2); c.376C>T, p.Gln126Ter (NM_001318382.2); short protein forms Q126*, Q452*, Q356*.
Identifiers: ClinVar variation 2777485 (VCV002777485.3), dbSNP rs2490005816, ClinGen allele CA374364860.